The following is an entry in ClinVar:

ClinVar aggregate classification (germline): Benign/Likely benign. Review status: criteria provided, multiple submitters, no conflicts (2 of 4 stars). 4 submissions from 4 submitters: Benign (1); Likely benign (1). 2 of the submissions do not count toward it. Last evaluated 2026-02-01.

Conditions:
NRIP1-related disorder. Also called: NRIP1-related condition.

Allele frequency attached by ClinVar (database versions not stated): 1000 Genomes Project 0.00060; 1000 Genomes Project 30x 0.00062; gnomAD 0.00085 and 0.00086; gnomAD exomes 0.00088 and 0.00120; ExAC 0.00094; TOPMed 0.00095; ESP Exome Variant Server 0.00115.
gnomAD v4.1: 1,840 of 1,582,388 alleles (0.12%); highest among the groups gnomAD compares: Non-Finnish European, 0.14%; 2 homozygotes.

Submissions (4):

CeGaT Center for Human Genetics Tuebingen
Classification: Benign. Last evaluated: 2026-02-01. Review status: criteria provided, single submitter. Criteria: CeGaT Center For Human Genetics Tuebingen Variant Classification Criteria Version 2. Collection method: clinical testing. Allele origin: germline. Affected: yes. Observed: 1 variant allele.
Comment: NRIP1: BP4, BS1, BS2

Labcorp Genetics (formerly Invitae), Labcorp
Classification: Likely benign. Last evaluated: 2025-12-20. Review status: criteria provided, single submitter. Criteria: Invitae Variant Classification Sherloc (09022015). Collection method: clinical testing. Allele origin: germline.

PreventionGenetics, part of Exact Sciences
Classification: Likely benign for NRIP1-related condition. Last evaluated: 2020-03-18. Review status: no assertion criteria provided. Collection method: clinical testing. Allele origin: germline. Not counted in ClinVar's aggregate classification.
Comment: This variant is classified as likely benign based on ACMG/AMP sequence variant interpretation guidelines (Richards et al. 2015 PMID: 25741868, with internal and published modifications).

Department of Pathology and Laboratory Medicine, Sinai Health System
Classification: Likely benign. Review status: no assertion criteria provided. Collection method: clinical testing. Allele origin: unknown. Affected: yes. Study: The Canadian Open Genetics Repository (COGR). Not counted in ClinVar's aggregate classification.
Comment: The NRIP1 p.Y1144D variant was not identified in the literature nor was it identified in ClinVar. The variant was identified in dbSNP (ID: rs61733441) and in control databases in 210 of 251860 chromosomes at a frequency of 0.0008338, and was observed at the highest frequency in the European (non-Finnish) population in 150 of 119394 chromosomes (freq: 0.001256) (Genome Aggregation Database March 6, 2019, v2.1.1). This frequency is greater than expected for the rare, autosomal dominant congenital anomalies of kidney and urinary tract 3 condition associated with NRIP1 variants. The p.Y1144 residue is conserved in mammals and computational analyses (MUT Assesor, PolyPhen-2, SIFT, MutationTaster, Revel, FATHMM, MetaLR, DANN) provide inconsistent predictions regarding the impact to the protein; this information is not very predictive of pathogenicity. The variant occurs outside of the splicing consensus sequence and in silico or computational prediction software programs (Splice AI exome) do not predict a difference in splicing. In summary, based on the above information the clinical significance of this variant cannot be determined with certainty at this time although we would lean towards a more benign role for this variant. This variant is classified as likely benign.

NM_003489.4(NRIP1):c.3430T>G (p.Tyr1144Asp)

Gene: NRIP1 (nuclear receptor interacting protein 1; minus strand). Cytogenetic location: 21q11.2.
Variant type: single nucleotide variant.
Coding change: c.3430T>G on transcript NM_003489.4 (MANE Select); coding-DNA position 3430, T replaced by G.
Protein change: p.Tyr1144Asp; replaces tyrosine 1144 with aspartic acid.
Molecular consequence: missense variant.
Genome position (GRCh38, 1-based): chr21:14,964,763, A>C on the plus strand (T>G on the coding strand, the complement: NRIP1 is on the minus strand). VCF-style: chr21-14964763-A-C. GRCh37 (hg19) VCF-style: chr21-16337084-A-C.
Other names: c.3430T>G (NM_003489.3); short protein forms Y1144D.
Identifiers: ClinVar variation 1049819 (VCV001049819.12), dbSNP rs61733441, ClinGen allele CA9980955.